The following is an entry in ClinVar:

NM_004208.4(AIFM1):c.857A>G (p.Lys286Arg)

Genes: AIFM1 (apoptosis inducing factor mitochondria associated 1; minus strand), RAB33A (RAB33A, member RAS oncogene family; plus strand). Cytogenetic location: Xq26.1.
Variant type: single nucleotide variant.
Coding change: c.857A>G on transcript NM_004208.4 (MANE Select); coding-DNA position 857, A replaced by G.
Protein change: p.Lys286Arg; replaces lysine 286 with arginine.
Molecular consequence: missense variant. On other transcripts: non-coding transcript variant (1).
Genome position (GRCh38, 1-based): chrX:130,139,796, T>C on the plus strand (A>G on the coding strand, the complement: AIFM1 is on the minus strand). VCF-style: chrX-130139796-T-C. GRCh37 (hg19) VCF-style: chrX-129273771-T-C.
Other names: c.857A>G, p.Lys286Arg (NM_001130847.4); c.845A>G, p.Lys282Arg (NM_145812.3); short protein forms K282R, K286R.
Identifiers: ClinVar variation 4983322 (VCV004983322.1).

ClinVar aggregate classification (germline): Uncertain significance (1 of 4 stars; one submission).

Conditions:
AIFM1-related disorder. Also called: AIFM1-related condition.

gnomAD v4.1: 1 of 1,208,019 alleles (0.000083%); highest among the groups gnomAD compares: Admixed American, 0.0022%; no homozygotes.

Submission:

PreventionGenetics, part of Exact Sciences
Classification: Uncertain significance for AIFM1-related condition. Last evaluated: 2026-06-15. Review status: criteria provided, single submitter. Criteria: ACMG Guidelines, 2015. Collection method: clinical testing. Allele origin: germline.
Comment: The AIFM1 c.857A>G variant is predicted to result in the amino acid substitution p.Lys286Arg. To our knowledge, this variant has not been reported in the literature or in a large population database (gnomAD), indicating this variant is rare. At this time, the clinical significance of this variant is uncertain due to the absence of conclusive functional and genetic evidence.